The following is an entry in ClinVar:

ClinVar aggregate classification (germline): Pathogenic (1 of 4 stars; one submission).

Conditions:
Combined immunodeficiency due to ZAP70 deficiency (IMD48). Also called: ZAP70 Deficiency; Immunodeficiency 48. Identifiers: Orphanet 911, MedGen C2931299, MONDO:0010023, OMIM 269840.

Submission:

Labcorp Genetics (formerly Invitae), Labcorp
Classification: Pathogenic for Combined immunodeficiency due to ZAP70 deficiency. Last evaluated: 2023-08-01. Review status: criteria provided, single submitter. Criteria: Invitae Variant Classification Sherloc (09022015). Collection method: clinical testing. Allele origin: germline.
Comment: For these reasons, this variant has been classified as Pathogenic. This variant has not been reported in the literature in individuals affected with ZAP70-related conditions. This variant is not present in population databases (gnomAD no frequency). This sequence change creates a premature translational stop signal (p.Asp379Glyfs*88) in the ZAP70 gene. It is expected to result in an absent or disrupted protein product. Loss-of-function variants in ZAP70 are known to be pathogenic (PMID: 8202712).

Literature cited by the submitters: PubMed 8202712.

NM_001079.4(ZAP70):c.1120_1135dup (p.Asp379fs)

Gene: ZAP70 (zeta chain of T cell receptor associated protein kinase 70; plus strand). Cytogenetic location: 2q11.2.
Variant type: Duplication.
Coding change: c.1120_1135dup on transcript NM_001079.4 (MANE Select); coding-DNA positions 1120 to 1135, 16 bases duplicated (GGCACGGAGAAGGCAG).
Protein change: p.Asp379fs; shifts the reading frame from aspartic acid 379.
Molecular consequence: frameshift variant.
Genome position (GRCh38, 1-based): chr2:97,735,287-97,735,302, GGCACGGAGAAGGCAG duplicated; duplicating any 16 consecutive bases within chr2:97,735,283-97,735,302 gives the same sequence; the c. name uses the placement nearest the transcript's 3' end. VCF-style (leftmost placement, unchanged base first): chr2-97735282-A-AGCAGGGCACGGAGAAG. GRCh37 (hg19) VCF-style: chr2-98351745-A-AGCAGGGCACGGAGAAG.
Other names: c.1120_1135dup, p.Asp379fs (NM_001378594.1); c.199_214dup, p.Asp72fs (NM_207519.2); short protein forms D72fs, D379fs.
Identifiers: ClinVar variation 2745505 (VCV002745505.3), dbSNP rs2482766787, ClinGen allele CA2697550997.
Genomic context (GRCh38, chr2:97,735,282, plus strand): 5'-ACGTGCCTCCCGTGGCCGGGTCGGGCAGGAAGCAGATCGACGTGGCCATCAAGGTGCTGA[A>AGCAGGGCACGGAGAAG]GCAGGGCACGGAGAAGGCAGACACGGAAGAGATGATGCGCGAGGCGCAGATCATGCACCA-3'